The following is an entry in ClinVar:

ClinVar aggregate classification (germline): Pathogenic/Likely pathogenic. Review status: criteria provided, multiple submitters, no conflicts (2 of 4 stars). 5 submissions from 5 submitters: Pathogenic (3); Likely pathogenic (2). Last evaluated 2023-10-19.

Conditions:
Hereditary cancer-predisposing syndrome. Also called: Hereditary Cancer Syndrome; Hereditary neoplastic syndrome; Neoplastic Syndromes, Hereditary; Tumor predisposition. Identifiers: Orphanet 140162, MedGen C0027672, MeSH D009386, MONDO:0015356.
Familial adenomatous polyposis 4 (FAP4). Also called: MSH3-related attenuated familial adenomatous polyposis. Identifiers: Orphanet 480536, MedGen C4310719, MONDO:0044300, OMIM 617100.
Endometrial carcinoma. Also called: Endometrial carcinoma, somatic. Identifiers: MedGen C0476089, MONDO:0002447, OMIM 608089, HP:0012114.

Allele frequency attached by ClinVar (database versions not stated): gnomAD exomes below 0.00001.
gnomAD v4.1: 1 of 1,613,266 alleles (0.000062%); highest among the groups gnomAD compares: Non-Finnish European, 0.000085%; no homozygotes.

Submissions (5):

Baylor Genetics
Classification: Likely pathogenic for Endometrial carcinoma. Last evaluated: 2023-10-19. Review status: criteria provided, single submitter. Criteria: ACMG Guidelines, 2015. Collection method: clinical testing. Allele origin: unknown.

Myriad Genetics, Inc.
Classification: Pathogenic for Familial adenomatous polyposis 4. Last evaluated: 2023-07-26. Review status: criteria provided, single submitter. Criteria: Myriad Autosomal Dominant, Autosomal Recessive and X-Linked Classification Criteria (2023). Collection method: clinical testing. Allele origin: unknown.
Comment: This variant is considered pathogenic. This variant creates a termination codon and is predicted to result in premature protein truncation.

Labcorp Genetics (formerly Invitae), Labcorp
Classification: Pathogenic. Last evaluated: 2022-05-03. Review status: criteria provided, single submitter. Criteria: Invitae Variant Classification Sherloc (09022015). Collection method: clinical testing. Allele origin: germline.
Comment: This sequence change creates a premature translational stop signal (p.Trp579*) in the MSH3 gene. It is expected to result in an absent or disrupted protein product. Loss-of-function variants in MSH3 are known to be pathogenic (PMID: 27476653). For these reasons, this variant has been classified as Pathogenic. Algorithms developed to predict the effect of sequence changes on RNA splicing suggest that this variant may create or strengthen a splice site. This variant has not been reported in the literature in individuals affected with MSH3-related conditions. This variant is not present in population databases (gnomAD no frequency).

Ambry Genetics
Classification: Pathogenic for Hereditary cancer-predisposing syndrome. Last evaluated: 2022-03-18. Review status: criteria provided, single submitter. Criteria: Ambry Variant Classification Scheme 2023. Collection method: clinical testing. Allele origin: germline.
Comment: The p.W579* pathogenic mutation (also known as c.1736G>A), located in coding exon 12 of the MSH3 gene, results from a G to A substitution at nucleotide position 1736. This changes the amino acid from a tryptophan to a stop codon within coding exon 12. This variant is considered to be rare based on population cohorts in the Genome Aggregation Database (gnomAD). This alteration is expected to result in loss of function by premature protein truncation or nonsense-mediated mRNA decay. As such, this alteration is interpreted as a disease-causing mutation.

Sema4
Classification: Likely pathogenic for Hereditary cancer-predisposing syndrome. Last evaluated: 2021-06-19. Review status: criteria provided, single submitter. Criteria: Sema4 Curation Guidelines. Collection method: curation. Allele origin: germline.
Comment: To the best of our knowledge, the MSH3 c.1736G>A (p.W579*) variant has not been reported in individuals with MSH3-related disease. This nonsense variant creates a premature stop codon at residue 579 of the MSH3 protein. At this location, this is predicted to result in absent protein (loss of function). This variant is not reported in the population database Genome Aggregation Database (PMID: 32461654). This variant has not been reported in ClinVar. Based on the current evidence available, this variant is interpreted as likely pathogenic.

Literature cited by the submitters: PubMed 27476653 (cited by Labcorp Genetics (formerly Invitae), Labcorp).

NM_002439.5(MSH3):c.1736G>A (p.Trp579Ter)

Gene: MSH3 (mutS homolog 3; plus strand). Cytogenetic location: 5q14.1.
Variant type: single nucleotide variant.
Coding change: c.1736G>A on transcript NM_002439.5 (MANE Select); coding-DNA position 1736, G replaced by A.
Protein change: p.Trp579Ter; replaces tryptophan 579 with a stop codon.
Molecular consequence: nonsense.
Genome position (GRCh38, 1-based): chr5:80,744,588, G>A. VCF-style: chr5-80744588-G-A. GRCh37 (hg19) VCF-style: chr5-80040407-G-A.
Other names: short protein forms W579*.
Identifiers: ClinVar variation 1692659 (VCV001692659.10), dbSNP rs2112868963, ClinGen allele CA360274795.
Genomic context (GRCh38, chr5:80,744,588, plus strand): 5'-GTTTGCTGTGGGTTTTAGACCACACTAAAACTTCATTTGGGAGACGGAAGTTAAAGAAGT[G>A]GGTGACCCAGCCACTCCTTAAATTAAGGTAAAAGGAATTCTTTTTGGGGTGTTTAATCTG-3'